The following is an entry in ClinVar:

ClinVar aggregate classification (germline): Uncertain significance (1 of 4 stars; one submission).

Submission:

Labcorp Genetics (formerly Invitae), Labcorp
Classification: Uncertain significance. Last evaluated: 2022-03-11. Review status: criteria provided, single submitter. Criteria: Invitae Variant Classification Sherloc (09022015). Collection method: clinical testing. Allele origin: germline.
Comment: In summary, the available evidence is currently insufficient to determine the role of this variant in disease. Therefore, it has been classified as a Variant of Uncertain Significance. Algorithms developed to predict the effect of missense changes on protein structure and function are either unavailable or do not agree on the potential impact of this missense change (SIFT: "Tolerated"; PolyPhen-2: "Possibly Damaging"; Align-GVGD: "Class C0"). This variant has not been reported in the literature in individuals affected with RTTN-related conditions. This variant is not present in population databases (gnomAD no frequency). This sequence change replaces serine, which is neutral and polar, with threonine, which is neutral and polar, at codon 398 of the RTTN protein (p.Ser398Thr).

NM_173630.4(RTTN):c.1193G>C (p.Ser398Thr)

Gene: RTTN (rotatin; minus strand). Cytogenetic location: 18q22.2.
Variant type: single nucleotide variant.
Coding change: c.1193G>C on transcript NM_173630.4 (MANE Select); coding-DNA position 1193, G replaced by C.
Protein change: p.Ser398Thr; replaces serine 398 with threonine.
Molecular consequence: missense variant. On other transcripts: 5 prime UTR variant (1).
Genome position (GRCh38, 1-based): chr18:70,188,220, C>G on the plus strand (G>C on the coding strand, the complement: RTTN is on the minus strand). VCF-style: chr18-70188220-C-G. GRCh37 (hg19) VCF-style: chr18-67855456-C-G.
Other names: c.-1361G>C (NM_001318520.2); short protein forms S398T.
Identifiers: ClinVar variation 2109158 (VCV002109158.4), dbSNP rs1309640494, ClinGen allele CA402698930.